The following is an entry in ClinVar:

NM_000441.2(SLC26A4):c.1316_1317dup (p.Lys440fs)

Gene: SLC26A4 (solute carrier family 26 member 4; plus strand). Cytogenetic location: 7q22.3.
Variant type: Duplication.
Coding change: c.1316_1317dup on transcript NM_000441.2 (MANE Select); coding-DNA positions 1316 to 1317, 2 bases duplicated (GG; older notation c.1316_1317dupGG).
Protein change: p.Lys440fs; shifts the reading frame from lysine 440.
Molecular consequence: frameshift variant.
Genome position (GRCh38, 1-based): chr7:107,694,455-107,694,456, GG duplicated; duplicating any 2 consecutive bases within chr7:107,694,453-107,694,456 gives the same sequence; the c. name uses the placement nearest the transcript's 3' end. VCF-style (leftmost placement, unchanged base first): chr7-107694452-T-TGG. GRCh37 (hg19) VCF-style: chr7-107334897-T-TGG.
Other names: short protein forms K440fs.
Identifiers: ClinVar variation 2693179 (VCV002693179.3), dbSNP rs2535326575, ClinGen allele CA2697557487.

ClinVar aggregate classification (germline): Pathogenic (1 of 4 stars; one submission).

Submission:

Labcorp Genetics (formerly Invitae), Labcorp
Classification: Pathogenic. Last evaluated: 2023-11-04. Review status: criteria provided, single submitter. Criteria: Invitae Variant Classification Sherloc (09022015). Collection method: clinical testing. Allele origin: germline.
Comment: This sequence change creates a premature translational stop signal (p.Lys440Glyfs*16) in the SLC26A4 gene. It is expected to result in an absent or disrupted protein product. Loss-of-function variants in SLC26A4 are known to be pathogenic (PMID: 16283880, 25394566, 26252218, 26445815). This variant is not present in population databases (gnomAD no frequency). This variant has not been reported in the literature in individuals affected with SLC26A4-related conditions. For these reasons, this variant has been classified as Pathogenic.

Literature cited by the submitters: PubMed 16283880; PubMed 25394566; PubMed 26252218; PubMed 26445815.